The following is an entry in ClinVar:

ClinVar aggregate classification (germline): Uncertain significance. Review status: criteria provided, multiple submitters, no conflicts (2 of 4 stars). 2 submissions from 2 submitters: Uncertain significance (2). Last evaluated 2024-08-22.

Conditions:
Cardiovascular phenotype. Identifiers: MedGen CN230736.
Alstrom syndrome (ALMS). Identifiers: Orphanet 64, MedGen C0268425, MONDO:0008763, OMIM 203800.

Allele frequency attached by ClinVar (database versions not stated): gnomAD exomes 0.00001 and 0.00002; TOPMed 0.00001.
gnomAD v4.1: 5 of 1,613,968 alleles (0.00031%); highest among the groups gnomAD compares: Admixed American, 0.0083%; no homozygotes.

Submissions (2):

Ambry Genetics
Classification: Uncertain significance for Cardiovascular phenotype. Last evaluated: 2024-08-22. Review status: criteria provided, single submitter. Criteria: Ambry Variant Classification Scheme 2023. Collection method: clinical testing. Allele origin: germline.
Comment: The p.G1136S variant (also known as c.3406G>A), located in coding exon 8 of the ALMS1 gene, results from a G to A substitution at nucleotide position 3406. The glycine at codon 1136 is replaced by serine, an amino acid with similar properties. This amino acid position is well conserved in available vertebrate species. In addition, this alteration is predicted to be tolerated by in silico analysis. Based on the available evidence, the clinical significance of this variant remains unclear.

Labcorp Genetics (formerly Invitae), Labcorp
Classification: Uncertain significance for Alstrom syndrome. Last evaluated: 2022-04-24. Review status: criteria provided, single submitter. Criteria: Invitae Variant Classification Sherloc (09022015). Collection method: clinical testing. Allele origin: germline.
Comment: This sequence change replaces glycine, which is neutral and non-polar, with serine, which is neutral and polar, at codon 1136 of the ALMS1 protein (p.Gly1136Ser). This variant is present in population databases (no rsID available, gnomAD 0.01%). This variant has not been reported in the literature in individuals affected with ALMS1-related conditions. Experimental studies and prediction algorithms are not available or were not evaluated, and the functional significance of this variant is currently unknown. In summary, the available evidence is currently insufficient to determine the role of this variant in disease. Therefore, it has been classified as a Variant of Uncertain Significance.

NM_001378454.1(ALMS1):c.3403G>A (p.Gly1135Ser)

Gene: ALMS1 (ALMS1 centrosome and basal body associated protein; plus strand). Cytogenetic location: 2p13.1.
Variant type: single nucleotide variant.
Coding change: c.3403G>A on transcript NM_001378454.1 (MANE Select); coding-DNA position 3403, G replaced by A.
Protein change: p.Gly1135Ser; replaces glycine 1135 with serine.
Molecular consequence: missense variant.
Genome position (GRCh38, 1-based): chr2:73,449,930, G>A. VCF-style: chr2-73449930-G-A. GRCh37 (hg19) VCF-style: chr2-73677057-G-A.
Other names: c.3406G>A, p.Gly1136Ser (NM_015120.4); short protein forms G1136S, G1135S.
Identifiers: ClinVar variation 1370454 (VCV001370454.4), dbSNP rs1419651180, ClinGen allele CA347275528.